The following is an entry in ClinVar:

ClinVar aggregate classification (germline): Benign. Review status: criteria provided, multiple submitters, no conflicts (2 of 4 stars). 2 submissions from 2 submitters: Benign (2). Last evaluated 2018-09-22.

Conditions:
Pituitary hormone deficiency, combined, 2. Also called: PROP1-Related Combined Pituitary Hormone Deficiency; ATELIOTIC DWARFISM WITH HYPOGONADISM; HANHART DWARFISM; PITUITARY DWARFISM III. Identifiers: MedGen C0878683, MONDO:0009878, OMIM 262600.

Allele frequency attached by ClinVar (database versions not stated): 1000 Genomes Project 30x 0.04919; 1000 Genomes Project 0.05032; TOPMed 0.07203; gnomAD 0.07976 and 0.08086; gnomAD exomes 0.09547.

Submissions (2):

GeneDx
Classification: Benign. Last evaluated: 2018-09-22. Review status: criteria provided, single submitter. Criteria: GeneDx Variant Classification Process June 2021. Collection method: clinical testing. Allele origin: germline. Affected: yes.

Illumina Laboratory Services, Illumina
Classification: Benign for Pituitary hormone deficiency, combined, 2. Last evaluated: 2018-01-13. Review status: criteria provided, single submitter. Criteria: ICSL Variant Classification Criteria 13 December 2019. Collection method: clinical testing. Allele origin: germline.
Comment: This variant was observed in the ICSL laboratory as part of a predisposition screen in an ostensibly healthy population. It had not been previously curated by ICSL or reported in the Human Gene Mutation Database (HGMD: prior to June 1st, 2018), and was therefore a candidate for classification through an automated scoring system. Utilizing variant allele frequency, disease prevalence and penetrance estimates, and inheritance mode, an automated score was calculated to assess if this variant is too frequent to cause the disease. Based on the score and internal cut-off values, a variant classified as benign is not then subjected to further curation. The score for this variant resulted in a classification of benign for this disease.

NM_006261.5(PROP1):c.*123T>C

Gene: PROP1 (PROP paired-like homeobox 1; minus strand). Cytogenetic location: 5q35.3.
Variant type: single nucleotide variant.
Coding change: c.*123T>C on transcript NM_006261.5 (MANE Select); 123 bases downstream of the stop codon, T replaced by C.
Molecular consequence: 3 prime UTR variant.
Genome position (GRCh38, 1-based): chr5:177,992,586, A>G on the plus strand (T>C on the coding strand, the complement: PROP1 is on the minus strand). VCF-style: chr5-177992586-A-G. GRCh37 (hg19) VCF-style: chr5-177419587-A-G.
Identifiers: ClinVar variation 353010 (VCV000353010.8), dbSNP rs2233788, ClinGen allele CA10621442.